The following is an entry in ClinVar:

ClinVar aggregate classification (germline): Benign/Likely benign. Review status: criteria provided, multiple submitters, no conflicts (2 of 4 stars). 8 submissions from 8 submitters: Benign (6); Likely benign (2). Last evaluated 2026-02-04.

Conditions:
Cardiovascular phenotype. Identifiers: MedGen CN230736.
Brittle cornea syndrome 1 (BCS1). Also called: DYSGENESIS MESODERMALIS CORNEAE ET SCLERAE; CORNEAL FRAGILITY, KERATOGLOBUS, BLUE SCLERAE, JOINT HYPEREXTENSIBILITY; EDS6B; FRAGILITAS OCULI WITH JOINT HYPEREXTENSIBILITY; Corneal fragility keratoglobus, blue sclerae AND joint hypermobility. Identifiers: Orphanet 90354, MedGen C0268344, MONDO:0024543, OMIM 229200.

Allele frequency attached by ClinVar (database versions not stated): 1000 Genomes Project 30x 0.04341; 1000 Genomes Project 0.04353; TOPMed 0.05387; ESP Exome Variant Server 0.05585; ExAC 0.05770; gnomAD 0.05999 and 0.06060; gnomAD exomes 0.06641 and 0.07103.
gnomAD v4.1: 108,477 of 1,550,524 alleles (7%); highest among the groups gnomAD compares: Middle Eastern, 12%; 4,260 homozygotes.

Submissions (8):

Labcorp Genetics (formerly Invitae), Labcorp
Classification: Benign. Last evaluated: 2026-02-04. Review status: criteria provided, single submitter. Criteria: Invitae Variant Classification Sherloc (09022015). Collection method: clinical testing. Allele origin: germline.

Women's Health and Genetics/Laboratory Corporation of America, LabCorp
Classification: Likely benign. Last evaluated: 2026-01-22. Review status: criteria provided, single submitter. Criteria: LabCorp Variant Classification Summary - May 2015. Collection method: clinical testing. Allele origin: germline.

Blueprint Genetics
Classification: Benign. Last evaluated: 2024-11-27. Review status: criteria provided, single submitter. Criteria: ACMG Guidelines, 2015. Collection method: clinical testing. Allele origin: germline.

Mayo Clinic Laboratories, Mayo Clinic
Classification: Benign. Last evaluated: 2022-04-26. Review status: criteria provided, single submitter. Criteria: ACMG Guidelines, 2015. Collection method: clinical testing. Allele origin: germline. Observed: 431 variant alleles.

Genome-Nilou Lab
Classification: Benign for Brittle cornea syndrome 1. Last evaluated: 2021-05-18. Review status: criteria provided, single submitter. Criteria: ACMG Guidelines, 2015. Collection method: clinical testing. Allele origin: germline. Affected: no.

Ambry Genetics
Classification: Benign for Cardiovascular phenotype. Last evaluated: 2018-12-11. Review status: criteria provided, single submitter. Criteria: Ambry Variant Classification Scheme 2023. Collection method: clinical testing. Allele origin: germline.

GeneDx
Classification: Benign. Last evaluated: 2016-10-03. Review status: criteria provided, single submitter. Criteria: GeneDx Variant Classification (06012015). Collection method: clinical testing. Allele origin: germline. Affected: yes.
Comment: This variant is considered likely benign or benign based on one or more of the following criteria: it is a conservative change, it occurs at a poorly conserved position in the protein, it is predicted to be benign by multiple in silico algorithms, and/or has population frequency not consistent with disease.

Breakthrough Genomics
Classification: Likely benign. Review status: criteria provided, single submitter. Criteria: ACMG Guidelines, 2015. Collection method: not provided. Allele origin: germline. Inheritance: Autosomal recessive inheritance. Affected: yes.

NM_001367624.2(ZNF469):c.8330A>T (p.Asp2777Val)

Gene: ZNF469 (zinc finger protein 469; plus strand). Cytogenetic location: 16q24.2.
Variant type: single nucleotide variant.
Coding change: c.8330A>T on transcript NM_001367624.2 (MANE Select); coding-DNA position 8330, A replaced by T.
Protein change: p.Asp2777Val; replaces aspartic acid 2777 with valine.
Molecular consequence: missense variant.
Genome position (GRCh38, 1-based): chr16:88,435,800, A>T. VCF-style: chr16-88435800-A-T. GRCh37 (hg19) VCF-style: chr16-88502208-A-T.
Other names: NM_001127464.1:c.8246A>T; p.Asp2777Val; short protein forms D2777V.
Identifiers: ClinVar variation 320985 (VCV000320985.21), dbSNP rs3812954, ClinGen allele CA8225326.